The following is an entry in ClinVar:

ClinVar aggregate classification (germline): Likely pathogenic. Review status: criteria provided, multiple submitters, no conflicts (2 of 4 stars). 3 submissions from 3 submitters: Likely pathogenic (3). Last evaluated 2025-11-07.

Conditions:
Cranioectodermal dysplasia 2 (CED2). Identifiers: Orphanet 1515, MedGen C3150874, MONDO:0013323, OMIM 613610.
Short-rib thoracic dysplasia 7 with or without polydactyly (SRTD7). Also called: Short rib polydactyly syndrome 5; SHORT-RIB THORACIC DYSPLASIA 7 WITH POLYDACTYLY. Identifiers: Orphanet 498497, Orphanet 93271, MedGen C3279792, MONDO:0013569, OMIM 614091.

Allele frequency attached by ClinVar (database versions not stated): gnomAD exomes 0.00003 and 0.00002; gnomAD 0.00005; TOPMed 0.00004; ESP Exome Variant Server 0.00015; ExAC 0.00003.
gnomAD v4.1: 47 of 1,611,132 alleles (0.0029%); highest among the groups gnomAD compares: Non-Finnish European, 0.0038%; no homozygotes.

Submissions (3):

GeneDx
Classification: Likely pathogenic. Last evaluated: 2025-11-07. Review status: criteria provided, single submitter. Criteria: GeneDx Variant Classification Process June 2021. Collection method: clinical testing. Allele origin: germline.
Comment: Has not been previously published as pathogenic or benign to our knowledge; Canonical splice site variant predicted to result in a null allele in a gene for which loss of function is a known mechanism of disease

Labcorp Genetics (formerly Invitae), Labcorp
Classification: Likely pathogenic for Cranioectodermal dysplasia 2; Short-rib thoracic dysplasia 7 with or without polydactyly. Last evaluated: 2024-10-02. Review status: criteria provided, single submitter. Criteria: Invitae Variant Classification Sherloc (09022015). Collection method: clinical testing. Allele origin: germline.
Comment: This sequence change affects an acceptor splice site in intron 21 of the WDR35 gene. It is expected to disrupt RNA splicing. Variants that disrupt the donor or acceptor splice site typically lead to a loss of protein function (PMID: 16199547), and loss-of-function variants in WDR35 are known to be pathogenic (PMID: 22486404, 29068549). This variant is present in population databases (rs143550695, gnomAD 0.006%). This variant has not been reported in the literature in individuals affected with WDR35-related conditions. ClinVar contains an entry for this variant (Variation ID: 1522265). Algorithms developed to predict the effect of sequence changes on RNA splicing suggest that this variant may disrupt the consensus splice site. In summary, the currently available evidence indicates that the variant is pathogenic, but additional data are needed to prove that conclusively. Therefore, this variant has been classified as Likely Pathogenic.

Fulgent Genetics
Classification: Likely pathogenic for Cranioectodermal dysplasia 2; Short-rib thoracic dysplasia 7 with or without polydactyly. Last evaluated: 2024-06-11. Review status: criteria provided, single submitter. Criteria: ACMG Guidelines, 2015. Collection method: clinical testing. Allele origin: germline.

Literature cited by the submitters: PubMed 16199547 (cited by Labcorp Genetics (formerly Invitae), Labcorp); PubMed 22486404 (cited by Labcorp Genetics (formerly Invitae), Labcorp); PubMed 29068549 (cited by Labcorp Genetics (formerly Invitae), Labcorp).

NM_020779.4(WDR35):c.2415-2A>G

Gene: WDR35 (WD repeat domain 35; minus strand). Cytogenetic location: 2p24.1.
Variant type: single nucleotide variant.
Coding change: c.2415-2A>G on transcript NM_020779.4 (MANE Select); the canonical splice acceptor site of the intron before coding-DNA position 2415, A replaced by G.
Molecular consequence: splice acceptor variant.
Genome position (GRCh38, 1-based): chr2:19,935,605, T>C on the plus strand (A>G on the coding strand, the complement: WDR35 is on the minus strand). VCF-style: chr2-19935605-T-C. GRCh37 (hg19) VCF-style: chr2-20135366-T-C.
Other names: c.2448-2A>G (NM_001006657.2).
Identifiers: ClinVar variation 1522265 (VCV001522265.11), dbSNP rs143550695, ClinGen allele CA1542944.